The following is an entry in ClinVar:

ClinVar aggregate classification (germline): Uncertain significance (1 of 4 stars; one submission).

Conditions:
3-methylglutaconic aciduria, type VIIB (MGCA7B). Also called: CLPB Deficiency; 3-methylglutaconic aciduria with cataracts, neurologic involvement and neutropenia; 3-methylglutaconic aciduria, type VII, with cataracts, neurologic involvement and neutropenia. Identifiers: Orphanet 445038, MedGen C5676893, MONDO:0014561, OMIM 616271.

Submission:

Labcorp Genetics (formerly Invitae), Labcorp
Classification: Uncertain significance for 3-methylglutaconic aciduria, type VIIB. Last evaluated: 2023-10-10. Review status: criteria provided, single submitter. Criteria: Invitae Variant Classification Sherloc (09022015). Collection method: clinical testing. Allele origin: germline.
Comment: This sequence change replaces asparagine, which is neutral and polar, with isoleucine, which is neutral and non-polar, at codon 291 of the CLPB protein (p.Asn291Ile). This variant is not present in population databases (gnomAD no frequency). This variant has not been reported in the literature in individuals affected with CLPB-related conditions. An algorithm developed to predict the effect of missense changes on protein structure and function (PolyPhen-2) suggests that this variant is likely to be disruptive. In summary, the available evidence is currently insufficient to determine the role of this variant in disease. Therefore, it has been classified as a Variant of Uncertain Significance.

NM_001258392.3(CLPB):c.782A>T (p.Asn261Ile)

Gene: CLPB (ClpB family mitochondrial disaggregase; minus strand). Cytogenetic location: 11q13.4.
Variant type: single nucleotide variant.
Coding change: c.782A>T on transcript NM_001258392.3 (MANE Select); coding-DNA position 782, A replaced by T.
Protein change: p.Asn261Ile; replaces asparagine 261 with isoleucine.
Molecular consequence: missense variant.
Genome position (GRCh38, 1-based): chr11:72,329,798, T>A on the plus strand (A>T on the coding strand, the complement: CLPB is on the minus strand). VCF-style: chr11-72329798-T-A. GRCh37 (hg19) VCF-style: chr11-72040842-T-A.
Other names: c.695A>T, p.Asn232Ile (NM_001258393.3); c.737A>T, p.Asn246Ile (NM_001258394.3); c.872A>T, p.Asn291Ile (NM_030813.6); short protein forms N232I, N261I, N291I, N246I.
Identifiers: ClinVar variation 2786309 (VCV002786309.3), dbSNP rs778324114, ClinGen allele CA381742382.